The following is an entry in ClinVar:

ClinVar aggregate classification (germline): Conflicting classifications of pathogenicity. Review status: criteria provided, conflicting classifications (1 of 4 stars). 5 submissions from 4 submitters: Uncertain significance (2); Likely benign (3). Last evaluated 2024-01-24.

Conditions:
Inborn genetic diseases. Identifiers: MedGen C0950123, MeSH D030342.
Transitory neonatal diabetes mellitus. Also called: Transient neonatal diabetes mellitus. Identifiers: MedGen C0342273, MONDO:0020525, HP:0008255.
Maturity-onset diabetes of the young (MODY). Also called: Maturity onset diabetes mellitus in young. Identifiers: Orphanet 552, MedGen C0342276, MONDO:0018911, HP:0004904.

Allele frequency attached by ClinVar (database versions not stated): gnomAD exomes 0.00002; 1000 Genomes Project 0.00020; 1000 Genomes Project 30x 0.00031.
gnomAD v4.1: 30 of 1,614,230 alleles (0.0019%); highest among the groups gnomAD compares: South Asian, 0.0088%; no homozygotes.

Submissions (5):

Labcorp Genetics (formerly Invitae), Labcorp
Classification: Likely benign. Last evaluated: 2024-01-24. Review status: criteria provided, single submitter. Criteria: Invitae Variant Classification Sherloc (09022015). Collection method: clinical testing. Allele origin: germline.

Ambry Genetics
Classification: Likely benign for Inborn genetic diseases. Last evaluated: 2022-05-24. Review status: criteria provided, single submitter. Criteria: Ambry Variant Classification Scheme 2023. Collection method: clinical testing. Allele origin: germline.

Blueprint Genetics
Classification: Likely benign. Last evaluated: 2022-03-25. Review status: criteria provided, single submitter. Criteria: ACMG Guidelines, 2015. Collection method: clinical testing. Allele origin: germline.

Clinical Genomics, Uppaluri K&H Personalized Medicine Clinic
Classification: Uncertain significance for Transitory neonatal diabetes mellitus. Review status: criteria provided, single submitter. Criteria: K & H Uppaluri Personalized Medicine Clinic Variant Classification & Assertion Criteria_Updated V.1. Collection method: research. Allele origin: unknown. Inheritance: Somatic mutation.
Comment: Mutations in ABCC8 gene are associated with both neonatal diabetes mellitus as well as MODY. Patients with this mutation may have a better response to sulfonylureas. However, no sufficient evidence is found to ascertain the role of this particular variant (rs550788491) in neonatal diabetes yet.

Clinical Genomics, Uppaluri K&H Personalized Medicine Clinic
Classification: Uncertain significance for Maturity-onset diabetes of the young. Review status: criteria provided, single submitter. Criteria: K & H Uppaluri Personalized Medicine Clinic Variant Classification & Assertion Criteria_Updated V.1. Collection method: research. Allele origin: unknown. Inheritance: Somatic mutation.
Comment: Mutations in ABCC8 gene are associated with both neonatal diabetes mellitus as well as MODY. Patients with this mutation may have a better response to sulfonylureas. However, no sufficient evidence is found to ascertain the role of this particular variant (rs550788491) in MODY yet.

Literature cited by the submitters: PubMed 16885549 (cited by Clinical Genomics, Uppaluri K&H Personalized Medicine Clinic); PubMed 21989597 (cited by Clinical Genomics, Uppaluri K&H Personalized Medicine Clinic); PubMed 27538677 (cited by Clinical Genomics, Uppaluri K&H Personalized Medicine Clinic); PubMed 18981553 (cited by Clinical Genomics, Uppaluri K&H Personalized Medicine Clinic); PubMed 32027066 (cited by Clinical Genomics, Uppaluri K&H Personalized Medicine Clinic); PubMed 16613899 (cited by Clinical Genomics, Uppaluri K&H Personalized Medicine Clinic); PubMed 18025408 (cited by Clinical Genomics, Uppaluri K&H Personalized Medicine Clinic); PubMed 32792356 (cited by Clinical Genomics, Uppaluri K&H Personalized Medicine Clinic).

NM_000352.6(ABCC8):c.1767G>A (p.Pro589=)

Gene: ABCC8 (ATP binding cassette subfamily C member 8; minus strand). Cytogenetic location: 11p15.1.
Variant type: single nucleotide variant.
Coding change: c.1767G>A on transcript NM_000352.6 (MANE Select); coding-DNA position 1767, G replaced by A.
Protein change: p.Pro589=; no amino-acid change (proline 589 retained).
Molecular consequence: synonymous variant. On other transcripts: non-coding transcript variant (1).
Genome position (GRCh38, 1-based): chr11:17,430,864, C>T on the plus strand (G>A on the coding strand, the complement: ABCC8 is on the minus strand). VCF-style: chr11-17430864-C-T. GRCh37 (hg19) VCF-style: chr11-17452411-C-T.
Other names: c.1767G>A, p.Pro589= (NM_001287174.3, NM_001351295.2); c.1764G>A, p.Pro588= (NM_001351296.2, NM_001351297.2).
Identifiers: ClinVar variation 1133548 (VCV001133548.13), dbSNP rs550788491, ClinGen allele CA218442697.
Genomic context (GRCh38, chr11:17,430,864, plus strand): 5'-CTCCCCTCACCTCACTAGAGCTTTGACGGTAGATCGGACCACACTGGACAGCAGGAACAG[C>T]GGTGTGACCAAGATATGGAAGAGGGAGAGGGAGGCAAAGGCCACGGAGGGCGAGAAGTCG-3'
Protein context (NP_000343.2, residues 579-599): SLSLFHILVT[Pro589=]LFLLSSVVRS